The following is an entry in ClinVar:

ClinVar aggregate classification (germline): Uncertain significance (1 of 4 stars; one submission).

Submission:

GeneDx
Classification: Uncertain significance. Last evaluated: 2022-05-18. Review status: criteria provided, single submitter. Criteria: GeneDx Variant Classification Process June 2021. Collection method: clinical testing. Allele origin: germline. Affected: yes.
Comment: Not observed at significant frequency in large population cohorts (gnomAD); In silico analysis supports that this missense variant has a deleterious effect on protein structure/function; Has not been previously published as pathogenic or benign to our knowledge

NM_003611.3(OFD1):c.698A>G (p.Glu233Gly)

Gene: OFD1 (OFD1 centriole and centriolar satellite protein; plus strand). Cytogenetic location: Xp22.2.
Variant type: single nucleotide variant.
Coding change: c.698A>G on transcript NM_003611.3 (MANE Select); coding-DNA position 698, A replaced by G.
Protein change: p.Glu233Gly; replaces glutamic acid 233 with glycine.
Molecular consequence: missense variant.
Genome position (GRCh38, 1-based): chrX:13,746,823, A>G. VCF-style: chrX-13746823-A-G. GRCh37 (hg19) VCF-style: chrX-13764942-A-G.
Other names: c.698A>G, p.Glu233Gly (NM_001330209.2); c.278A>G, p.Glu93Gly (NM_001330210.2); short protein forms E233G, E93G.
Identifiers: ClinVar variation 1800705 (VCV001800705.1), dbSNP rs2518838682, ClinGen allele CA412337903.